The following is an entry in ClinVar:

ClinVar aggregate classification (germline): Uncertain significance (1 of 4 stars; one submission).

Submission:

Labcorp Genetics (formerly Invitae), Labcorp
Classification: Uncertain significance. Last evaluated: 2022-07-12. Review status: criteria provided, single submitter. Criteria: Invitae Variant Classification Sherloc (09022015). Collection method: clinical testing. Allele origin: germline.
Comment: This sequence change replaces isoleucine, which is neutral and non-polar, with valine, which is neutral and non-polar, at codon 1017 of the CACNA1F protein (p.Ile1017Val). This variant is not present in population databases (gnomAD no frequency). This variant has not been reported in the literature in individuals affected with CACNA1F-related conditions. ClinVar contains an entry for this variant (Variation ID: 954085). Algorithms developed to predict the effect of missense changes on protein structure and function are either unavailable or do not agree on the potential impact of this missense change (SIFT: "Deleterious"; PolyPhen-2: "Benign"; Align-GVGD: "Class C25"). In summary, the available evidence is currently insufficient to determine the role of this variant in disease. Therefore, it has been classified as a Variant of Uncertain Significance.

NM_001256789.3(CACNA1F):c.3016A>G (p.Ile1006Val)

Gene: CACNA1F (calcium voltage-gated channel subunit alpha1 F; minus strand). Cytogenetic location: Xp11.23.
Variant type: single nucleotide variant.
Coding change: c.3016A>G on transcript NM_001256789.3 (MANE Select); coding-DNA position 3016, A replaced by G.
Protein change: p.Ile1006Val; replaces isoleucine 1006 with valine.
Molecular consequence: missense variant.
Genome position (GRCh38, 1-based): chrX:49,217,918, T>C on the plus strand (A>G on the coding strand, the complement: CACNA1F is on the minus strand). VCF-style: chrX-49217918-T-C. GRCh37 (hg19) VCF-style: chrX-49074377-T-C.
Other names: c.2854A>G, p.Ile952Val (NM_001256790.3); c.3049A>G, p.Ile1017Val (NM_005183.4); short protein forms I1006V, I1017V, I952V.
Identifiers: ClinVar variation 954085 (VCV000954085.9), dbSNP rs1013820404, ClinGen allele CA329140754.